The following is an entry in ClinVar:

ClinVar aggregate classification (germline): Benign/Likely benign. Review status: criteria provided, multiple submitters, no conflicts (2 of 4 stars). 3 submissions from 3 submitters: Benign (1); Likely benign (2). Last evaluated 2025-03-10.

Conditions:
Hereditary cancer-predisposing syndrome. Also called: Tumor predisposition; Hereditary Cancer Syndrome; Hereditary neoplastic syndrome; Neoplastic Syndromes, Hereditary. Identifiers: Orphanet 140162, MedGen C0027672, MeSH D009386, MONDO:0015356.
Pheochromocytoma/paraganglioma syndrome 5. Also called: Paragangliomas 5; SDHA-Related Hereditary Paraganglioma-Pheochromocytoma Syndrome. Identifiers: Orphanet 29072, MedGen C3279992, MONDO:0013602, OMIM 614165.
Mitochondrial complex II deficiency, nuclear type 1. Also called: SUCCINATE CoQ REDUCTASE DEFICIENCY. Identifiers: Orphanet 3208, MedGen C5700310, MONDO:0100294, OMIM 252011.

gnomAD v4.1: 1 of 1,614,192 alleles (0.000062%); highest among the groups gnomAD compares: Non-Finnish European, 0.000085%; no homozygotes.

Submissions (3):

Myriad Genetics, Inc.
Classification: Benign for Pheochromocytoma/paraganglioma syndrome 5. Last evaluated: 2025-03-10. Review status: criteria provided, single submitter. Criteria: Myriad Autosomal Dominant, Autosomal Recessive and X-Linked Classification Criteria (2023). Collection method: clinical testing. Allele origin: unknown.
Comment: This variant is considered benign. This variant is a silent/synonymous amino acid change and it is not expected to impact splicing.

Labcorp Genetics (formerly Invitae), Labcorp
Classification: Likely benign for Pheochromocytoma/paraganglioma syndrome 5; Mitochondrial complex II deficiency, nuclear type 1. Last evaluated: 2024-08-13. Review status: criteria provided, single submitter. Criteria: Invitae Variant Classification Sherloc (09022015). Collection method: clinical testing. Allele origin: germline.

Ambry Genetics
Classification: Likely benign for Hereditary cancer-predisposing syndrome. Last evaluated: 2019-10-13. Review status: criteria provided, single submitter. Criteria: Ambry Variant Classification Scheme 2023. Collection method: clinical testing. Allele origin: germline.

NM_004168.4(SDHA):c.1257G>T (p.Gly419=)

Gene: SDHA (succinate dehydrogenase complex flavoprotein subunit A; plus strand). Cytogenetic location: 5p15.33.
Variant type: single nucleotide variant.
Coding change: c.1257G>T on transcript NM_004168.4 (MANE Select); coding-DNA position 1257, G replaced by T.
Protein change: p.Gly419=; no amino-acid change (glycine 419 retained).
Molecular consequence: synonymous variant.
Genome position (GRCh38, 1-based): chr5:235,336, G>T. VCF-style: chr5-235336-G-T. GRCh37 (hg19) VCF-style: chr5-235451-G-T.
Other names: c.1113G>T, p.Gly371= (NM_001294332.2); c.1257G>T, p.Gly419= (NM_001330758.2).
Identifiers: ClinVar variation 1585687 (VCV001585687.11), dbSNP rs753410011, ClinGen allele CA442692042.